The following is an entry in ClinVar:

ClinVar aggregate classification (germline): Likely benign (1 of 4 stars; one submission).

Allele frequency attached by ClinVar (database versions not stated): 1000 Genomes Project 0.00419; 1000 Genomes Project 30x 0.00422; gnomAD 0.00579 and 0.00630; TOPMed 0.00670.
gnomAD v4.1: 869 of 152,156 alleles (0.57%); highest among the groups gnomAD compares: African/African-American, 2%; 14 homozygotes.

Submission:

GeneDx
Classification: Likely benign. Last evaluated: 2018-06-14. Review status: criteria provided, single submitter. Criteria: GeneDx Variant Classification (06012015). Collection method: clinical testing. Allele origin: germline. Affected: yes.
Comment: This variant is considered likely benign or benign based on one or more of the following criteria: it is a conservative change, it occurs at a poorly conserved position in the protein, it is predicted to be benign by multiple in silico algorithms, and/or has population frequency not consistent with disease.

NM_032340.4(UQCC2):c.139-243G>A

Gene: UQCC2 (ubiquinol-cytochrome c reductase complex assembly factor 2; minus strand). Cytogenetic location: 6p21.31.
Variant type: single nucleotide variant.
Coding change: c.139-243G>A on transcript NM_032340.4 (MANE Select); 243 bases into the intron before coding-DNA position 139, G replaced by A.
Molecular consequence: intron variant.
Genome position (GRCh38, 1-based): chr6:33,701,663, C>T on the plus strand (G>A on the coding strand, the complement: UQCC2 is on the minus strand). VCF-style: chr6-33701663-C-T. GRCh37 (hg19) VCF-style: chr6-33669440-C-T.
Identifiers: ClinVar variation 673279 (VCV000673279.1), dbSNP rs140128386, ClinGen allele CA137168590.